The following is an entry in ClinVar:

ClinVar aggregate classification (germline): Uncertain significance. Review status: criteria provided, multiple submitters, no conflicts (2 of 4 stars). 2 submissions from 2 submitters: Uncertain significance (2). Last evaluated 2024-06-11.

Conditions:
Microcephaly-intellectual disability-sensorineural hearing loss-epilepsy-abnormal muscle tone syndrome (NEDHSB). Also called: NEURODEVELOPMENTAL DISORDER WITH HEARING LOSS, SEIZURES, AND BRAIN ABNORMALITIES. Identifiers: Orphanet 457351, MedGen C4225276, MONDO:0014698, OMIM 616577.

Allele frequency attached by ClinVar (database versions not stated): gnomAD exomes below 0.00001 and 0.00001; TOPMed below 0.00001; ExAC 0.00001.
gnomAD v4.1: 18 of 1,606,110 alleles (0.0011%); highest among the groups gnomAD compares: Non-Finnish European, 0.0014%; no homozygotes.

Submissions (2):

Blueprint Genetics
Classification: Uncertain significance. Last evaluated: 2024-06-11. Review status: criteria provided, single submitter. Criteria: ACMG Guidelines, 2015. Collection method: clinical testing. Allele origin: germline.

Labcorp Genetics (formerly Invitae), Labcorp
Classification: Uncertain significance for Microcephaly-intellectual disability-sensorineural hearing loss-epilepsy-abnormal muscle tone syndrome. Last evaluated: 2024-02-17. Review status: criteria provided, single submitter. Criteria: Invitae Variant Classification Sherloc (09022015). Collection method: clinical testing. Allele origin: germline.
Comment: This sequence change replaces leucine, which is neutral and non-polar, with phenylalanine, which is neutral and non-polar, at codon 845 of the SPATA5 protein (p.Leu845Phe). This variant is present in population databases (rs777160273, gnomAD 0.0009%). This variant has not been reported in the literature in individuals affected with SPATA5-related conditions. ClinVar contains an entry for this variant (Variation ID: 575098). Advanced modeling of protein sequence and biophysical properties (such as structural, functional, and spatial information, amino acid conservation, physicochemical variation, residue mobility, and thermodynamic stability) has been performed at Invitae for this missense variant, however the output from this modeling did not meet the statistical confidence thresholds required to predict the impact of this variant on SPATA5 protein function. In summary, the available evidence is currently insufficient to determine the role of this variant in disease. Therefore, it has been classified as a Variant of Uncertain Significance.

NM_145207.3(AFG2A):c.2533C>T (p.Leu845Phe)

Gene: AFG2A (AAA ATPase AFG2A; plus strand). Cytogenetic location: 4q28.1.
Variant type: single nucleotide variant.
Coding change: c.2533C>T on transcript NM_145207.3 (MANE Select); coding-DNA position 2533, C replaced by T.
Protein change: p.Leu845Phe; replaces leucine 845 with phenylalanine.
Molecular consequence: missense variant.
Genome position (GRCh38, 1-based): chr4:123,313,915, C>T. VCF-style: chr4-123313915-C-T. GRCh37 (hg19) VCF-style: chr4-124235070-C-T.
Other names: c.2530C>T, p.Leu844Phe (NM_001345856.2); short protein forms L845F, L844F.
Identifiers: ClinVar variation 575098 (VCV000575098.7), dbSNP rs777160273, ClinGen allele CA3070763.